The following is an entry in ClinVar:

NM_000834.5(GRIN2B):c.2776C>T (p.Arg926Ter)

Gene: GRIN2B (glutamate ionotropic receptor NMDA type subunit 2B; minus strand). Cytogenetic location: 12p13.1.
Variant type: single nucleotide variant.
Coding change: c.2776C>T on transcript NM_000834.5 (MANE Select); coding-DNA position 2776, C replaced by T.
Protein change: p.Arg926Ter; replaces arginine 926 with a stop codon.
Molecular consequence: nonsense.
Genome position (GRCh38, 1-based): chr12:13,564,462, G>A on the plus strand (C>T on the coding strand, the complement: GRIN2B is on the minus strand). VCF-style: chr12-13564462-G-A. GRCh37 (hg19) VCF-style: chr12-13717396-G-A.
Other names: short protein forms R926*.
Identifiers: ClinVar variation 521816 (VCV000521816.4), dbSNP rs1555102536, ClinGen allele CA383993610.

ClinVar aggregate classification (germline): Likely pathogenic (1 of 4 stars; one submission).

Conditions:
Complex neurodevelopmental disorder. Identifiers: Orphanet 528084, MedGen C5568766, MONDO:0100038.
Inborn genetic diseases. Identifiers: MedGen C0950123, MeSH D030342.

Submission:

Ambry Genetics
Classification: Likely pathogenic for Inborn genetic diseases. Last evaluated: 2018-08-27. Review status: criteria provided, single submitter. Criteria: Ambry exome assertion method (8-5-2015). Collection method: clinical testing. Allele origin: germline. Affected: yes. Observed: 2 variant alleles.

Literature cited by the submitters: PubMed 23020937 (cited by Ambry Genetics).